The following is an entry in ClinVar:

ClinVar aggregate classification (germline): Uncertain significance. Review status: criteria provided, multiple submitters, no conflicts (2 of 4 stars). 2 submissions from 2 submitters: Uncertain significance (2). Last evaluated 2024-08-14.

Conditions:
Inborn genetic diseases. Identifiers: MedGen C0950123, MeSH D030342.

Allele frequency attached by ClinVar (database versions not stated): gnomAD exomes 0.00001; ExAC 0.00002.
gnomAD v4.1: 7 of 1,574,900 alleles (0.00044%); highest among the groups gnomAD compares: Admixed American, 0.0019%; no homozygotes.

Submissions (2):

Ambry Genetics
Classification: Uncertain significance for Inborn genetic diseases. Last evaluated: 2024-08-14. Review status: criteria provided, single submitter. Criteria: Ambry Variant Classification Scheme 2023. Collection method: clinical testing. Allele origin: germline.

Labcorp Genetics (formerly Invitae), Labcorp
Classification: Uncertain significance. Last evaluated: 2022-07-04. Review status: criteria provided, single submitter. Criteria: Invitae Variant Classification Sherloc (09022015). Collection method: clinical testing. Allele origin: germline.
Comment: This variant is present in population databases (rs748654513, gnomAD 0.004%). This sequence change replaces serine, which is neutral and polar, with proline, which is neutral and non-polar, at codon 1775 of the PCDH15 protein (p.Ser1775Pro). This variant has not been reported in the literature in individuals affected with PCDH15-related conditions. Algorithms developed to predict the effect of missense changes on protein structure and function output the following: SIFT: "Tolerated"; PolyPhen-2: "Not Available"; Align-GVGD: "Class C0". The proline amino acid residue is found in multiple mammalian species, which suggests that this missense change does not adversely affect protein function. In summary, the available evidence is currently insufficient to determine the role of this variant in disease. Therefore, it has been classified as a Variant of Uncertain Significance.

NM_033056.4(PCDH15):c.5323T>C (p.Ser1775Pro)

Gene: PCDH15 (protocadherin related 15; minus strand). Cytogenetic location: 10q21.1.
Variant type: single nucleotide variant.
Coding change: c.5323T>C on transcript NM_033056.4 (MANE Plus Clinical); coding-DNA position 5323, T replaced by C.
Protein change: p.Ser1775Pro; replaces serine 1775 with proline.
Molecular consequence: missense variant. On other transcripts: intron variant (8).
Genome position (GRCh38, 1-based): chr10:53,822,403, A>G on the plus strand (T>C on the coding strand, the complement: PCDH15 is on the minus strand). VCF-style: chr10-53822403-A-G. GRCh37 (hg19) VCF-style: chr10-55582163-A-G.
Other names: c.5344T>C, p.Ser1782Pro (NM_001142763.2); c.5329T>C, p.Ser1777Pro (NM_001142764.2); c.5116T>C, p.Ser1706Pro (NM_001142765.2); c.5314T>C, p.Ser1772Pro (NM_001142766.2); c.5203T>C, p.Ser1735Pro (NM_001142767.2); c.5263T>C, p.Ser1755Pro (NM_001142768.2); c.5254T>C, p.Ser1752Pro (NM_001142773.2); c.5257T>C, p.Ser1753Pro (NM_001354404.2); and 7 more; short protein forms S1735P, S1755P, S1775P, S1706P, S1752P, S1772P, S1753P, S1777P.
Identifiers: ClinVar variation 1988069 (VCV001988069.4), dbSNP rs748654513, ClinGen allele CA5505068.